The following is an entry in ClinVar:

ClinVar aggregate classification (germline): Likely benign. Review status: criteria provided, multiple submitters, no conflicts (2 of 4 stars). 2 submissions from 2 submitters: Likely benign (2). Last evaluated 2025-04-22.

Conditions:
RP1-related disorder. Also called: RP1-related condition.

Allele frequency attached by ClinVar (database versions not stated): gnomAD exomes below 0.00001.
gnomAD v4.1: 5 of 1,614,034 alleles (0.00031%); highest among the groups gnomAD compares: Non-Finnish European, 0.00025%; no homozygotes.

Submissions (2):

PreventionGenetics, part of Exact Sciences
Classification: Likely benign for RP1-related condition. Last evaluated: 2025-04-22. Review status: criteria provided, single submitter. Criteria: ACMG Guidelines, 2015. Collection method: clinical testing. Allele origin: germline.
Comment: This variant is classified as likely benign based on ACMG/AMP sequence variant interpretation guidelines (Richards et al. 2015 PMID: 25741868, with internal and published modifications).

Labcorp Genetics (formerly Invitae), Labcorp
Classification: Likely benign. Last evaluated: 2024-12-16. Review status: criteria provided, single submitter. Criteria: Invitae Variant Classification Sherloc (09022015). Collection method: clinical testing. Allele origin: germline.

NM_006269.2(RP1):c.4155T>C (p.Asn1385=)

Gene: RP1 (RP1 axonemal microtubule associated; plus strand). Cytogenetic location: 8q12.1.
Variant type: single nucleotide variant.
Coding change: c.4155T>C on transcript NM_006269.2 (MANE Select); coding-DNA position 4155, T replaced by C.
Protein change: p.Asn1385=; no amino-acid change (asparagine 1385 retained).
Molecular consequence: synonymous variant. On other transcripts: intron variant (1).
Genome position (GRCh38, 1-based): chr8:54,628,037, T>C. VCF-style: chr8-54628037-T-C. GRCh37 (hg19) VCF-style: chr8-55540597-T-C.
Other names: c.4155T>C (NM_006269.1); c.787+5749T>C (NM_001375654.1).
Identifiers: ClinVar variation 2787484 (VCV002787484.4), dbSNP rs1489665990, ClinGen allele CA461099743.
Genomic context (GRCh38, chr8:54,628,037, plus strand): 5'-TGATGACATTCAGAAAGATCTAAATATTTTGACAGACCCTGAATATAAAAATGGATTTAA[T>C]ACATTGGTGTCACATCAAAATGTCAGTAATTTAAGCTCCTGTGGCCTTTGCCTAAGTGAA-3'
Protein context (NP_006260.1, residues 1375-1395): LTDPEYKNGF[Asn1385=]TLVSHQNVSN